The following is an entry in ClinVar:

ClinVar aggregate classification (germline): Pathogenic (1 of 4 stars; one submission).

Conditions:
2-aminoadipic 2-oxoadipic aciduria (AAKAD). Also called: Aminoadipic aciduria; ALPHA-AMINOADIPIC AND ALPHA-KETOADIPIC ACIDURIA. Identifiers: Orphanet 79154, MedGen C1859817, MONDO:0008774, OMIM 204750.

Submission:

Labcorp Genetics (formerly Invitae), Labcorp
Classification: Pathogenic for 2-aminoadipic 2-oxoadipic aciduria. Last evaluated: 2023-06-01. Review status: criteria provided, single submitter. Criteria: Invitae Variant Classification Sherloc (09022015). Collection method: clinical testing. Allele origin: unknown.
Comment: This variant has not been reported in the literature in individuals affected with DHTKD1-related conditions. For these reasons, this variant has been classified as Pathogenic. A gross deletion of the genomic region encompassing the full coding sequence of the DHTKD1 gene has been identified. Loss-of-function variants in DHTKD1 are known to be pathogenic (PMID: 23141293, 25860818). The boundaries of this event are unknown as they extend beyond the assayed region for this gene and therefore may encompass additional genes.

Literature cited by the submitters: PubMed 23141293; PubMed 25860818.

NC_000010.10:g.(?_12111033)_(12162887_?)del

Gene: DHTKD1 (dehydrogenase E1 and transketolase domain containing 1; plus strand). Cytogenetic location: 10p14.
Variant type: Deletion.
Identifiers: ClinVar variation 3244847 (VCV003244847.1).